The following is an entry in ClinVar:

ClinVar aggregate classification (germline): Uncertain significance. Review status: criteria provided, multiple submitters, no conflicts (2 of 4 stars). 2 submissions from 2 submitters: Uncertain significance (2). Last evaluated 2026-01-18.

Conditions:
Myopathy with tubular aggregates (TAM). Also called: Tubular Aggregate Myopathy. Identifiers: Orphanet 2593, MedGen C0410207, MONDO:0008051.
Stormorken syndrome (STRMK). Also called: THROMBOCYTOPATHY, ASPLENIA, AND MIOSIS. Identifiers: Orphanet 3204, MedGen C1861451, MONDO:0008497, OMIM 185070.
Combined immunodeficiency due to STIM1 deficiency. Also called: IMMUNODEFICIENCY 10; STIM1 DEFICIENCY. Identifiers: Orphanet 169090, Orphanet 317430, MedGen C2748557, MONDO:0013008, OMIM 612783.

Allele frequency attached by ClinVar (database versions not stated): gnomAD exomes 0.00001; ExAC 0.00001.
gnomAD v4.1: 8 of 1,614,118 alleles (0.0005%); highest among the groups gnomAD compares: Non-Finnish European, 0.00068%; no homozygotes.

Submissions (2):

Labcorp Genetics (formerly Invitae), Labcorp
Classification: Uncertain significance for Myopathy with tubular aggregates; Combined immunodeficiency due to STIM1 deficiency; Stormorken syndrome. Last evaluated: 2026-01-18. Review status: criteria provided, single submitter. Criteria: Invitae Variant Classification Sherloc (09022015). Collection method: clinical testing. Allele origin: germline.
Comment: This sequence change replaces glycine, which is neutral and non-polar, with cysteine, which is neutral and slightly polar, at codon 225 of the STIM1 protein (p.Gly225Cys). This variant is present in population databases (rs747254186, gnomAD 0.0009%). This variant has not been reported in the literature in individuals affected with STIM1-related conditions. ClinVar contains an entry for this variant (Variation ID: 2683132). Invitae Evidence Modeling of protein sequence and biophysical properties (such as structural, functional, and spatial information, amino acid conservation, physicochemical variation, residue mobility, and thermodynamic stability) has been performed for this missense variant. However, the output from this modeling did not meet the statistical confidence thresholds required to predict the impact of this variant on STIM1 protein function. In summary, the available evidence is currently insufficient to determine the role of this variant in disease. Therefore, it has been classified as a Variant of Uncertain Significance.

Mayo Clinic Laboratories, Mayo Clinic
Classification: Uncertain significance. Last evaluated: 2023-05-05. Review status: criteria provided, single submitter. Criteria: ACMG Guidelines, 2015. Collection method: clinical testing. Allele origin: germline. Observed: 1 variant allele.

NM_001382567.1(STIM1):c.673G>T (p.Gly225Cys)

Gene: STIM1 (stromal interaction molecule 1; plus strand). Cytogenetic location: 11p15.4.
Variant type: single nucleotide variant.
Coding change: c.673G>T on transcript NM_001382567.1 (MANE Select); coding-DNA position 673, G replaced by T.
Protein change: p.Gly225Cys; replaces glycine 225 with cysteine.
Molecular consequence: missense variant. On other transcripts: non-coding transcript variant (2).
Genome position (GRCh38, 1-based): chr11:4,070,085, G>T. VCF-style: chr11-4070085-G-T. GRCh37 (hg19) VCF-style: chr11-4091315-G-T.
Other names: p.Gly225Cys; c.673G>T, p.Gly225Cys (NM_001277961.3, NM_001277962.2, NM_001382568.1 and 2 more transcripts); c.451G>T, p.Gly151Cys (NM_001382566.1, NM_001382573.1, NM_001382574.1 and 5 more transcripts); c.538G>T, p.Gly180Cys (NM_001382569.1); c.445G>T, p.Gly149Cys (NM_001382570.1); c.193G>T, p.Gly65Cys (NM_001382571.1); c.184G>T, p.Gly62Cys (NM_001382580.1, NM_001382581.1); short protein forms G149C, G151C, G180C, G225C, G62C, G65C.
Identifiers: ClinVar variation 2683132 (VCV002683132.4), dbSNP rs747254186, ClinGen allele CA5830290.